The following is an entry in ClinVar:

ClinVar aggregate classification (germline): Uncertain significance (1 of 4 stars; one submission).

Conditions:
Maple syrup urine disease (MSUD). Identifiers: Orphanet 511, MedGen C0024776, MeSH D008375, MONDO:0009563. Disease mechanism: loss of function.

gnomAD v4.1: 1 of 1,613,482 alleles (0.000062%); highest among the groups gnomAD compares: Admixed American, 0.0017%; no homozygotes.

Submission:

Labcorp Genetics (formerly Invitae), Labcorp
Classification: Uncertain significance for Maple syrup urine disease. Last evaluated: 2021-09-01. Review status: criteria provided, single submitter. Criteria: Invitae Variant Classification Sherloc (09022015). Collection method: clinical testing. Allele origin: germline.
Comment: This sequence change replaces valine with leucine at codon 237 of the DBT protein (p.Val237Leu). The valine residue is weakly conserved and there is a small physicochemical difference between valine and leucine. This variant is not present in population databases (ExAC no frequency). This variant has not been reported in the literature in individuals affected with DBT-related conditions. Algorithms developed to predict the effect of missense changes on protein structure and function output the following: SIFT: "Tolerated"; PolyPhen-2: "Benign"; Align-GVGD: "Class C0". The leucine amino acid residue is found in multiple mammalian species, which suggests that this missense change does not adversely affect protein function. In summary, the available evidence is currently insufficient to determine the role of this variant in disease. Therefore, it has been classified as a Variant of Uncertain Significance.

NM_001918.5(DBT):c.709G>C (p.Val237Leu)

Gene: DBT (dihydrolipoamide branched chain transacylase E2; minus strand). Cytogenetic location: 1p21.2.
Variant type: single nucleotide variant.
Coding change: c.709G>C on transcript NM_001918.5 (MANE Select); coding-DNA position 709, G replaced by C.
Protein change: p.Val237Leu; replaces valine 237 with leucine.
Molecular consequence: missense variant.
Genome position (GRCh38, 1-based): chr1:100,216,046, C>G on the plus strand (G>C on the coding strand, the complement: DBT is on the minus strand). VCF-style: chr1-100216046-C-G. GRCh37 (hg19) VCF-style: chr1-100681602-C-G.
Other names: short protein forms V237L.
Identifiers: ClinVar variation 572464 (VCV000572464.6), dbSNP rs947272551, ClinGen allele CA27590888.